The following is an entry in ClinVar:

NM_004360.5(CDH1):c.489C>G (p.Cys163Trp)

Gene: CDH1 (cadherin 1; plus strand). Cytogenetic location: 16q22.1.
Variant type: single nucleotide variant.
Coding change: c.489C>G on transcript NM_004360.5 (MANE Select); coding-DNA position 489, C replaced by G.
Protein change: p.Cys163Trp; replaces cysteine 163 with tryptophan.
Molecular consequence: missense variant. On other transcripts: 5 prime UTR variant (2).
Genome position (GRCh38, 1-based): chr16:68,808,525, C>G. VCF-style: chr16-68808525-C-G. GRCh37 (hg19) VCF-style: chr16-68842428-C-G.
Other names: c.489C>G (LRG_301t1); c.489C>G, p.Cys163Trp (NM_001317184.2); c.-1127C>G (NM_001317185.2); c.-1331C>G (NM_001317186.2); short protein forms C163W.
Identifiers: ClinVar variation 463783 (VCV000463783.13), dbSNP rs1064794230, ClinGen allele CA396457729.

ClinVar aggregate classification (germline): Uncertain significance. Review status: criteria provided, multiple submitters, no conflicts (2 of 4 stars). 2 submissions from 2 submitters: Uncertain significance (2). Last evaluated 2022-08-11.

Conditions:
Hereditary cancer-predisposing syndrome. Also called: Hereditary neoplastic syndrome; Neoplastic Syndromes, Hereditary; Tumor predisposition; Hereditary Cancer Syndrome. Identifiers: Orphanet 140162, MedGen C0027672, MeSH D009386, MONDO:0015356.
Hereditary diffuse gastric adenocarcinoma (HDGC). Also called: DIFFUSE GASTRIC AND LOBULAR BREAST CANCER SYNDROME. Identifiers: Orphanet 26106, MedGen C1708349, MONDO:0007648, OMIM 137215.

Allele frequency attached by ClinVar (database versions not stated): gnomAD exomes below 0.00001.
gnomAD v4.1: 1 of 1,614,086 alleles (0.000062%); highest among the groups gnomAD compares: Non-Finnish European, 0.000085%; no homozygotes.

Submissions (2):

Ambry Genetics
Classification: Uncertain significance for Hereditary cancer-predisposing syndrome. Last evaluated: 2022-08-11. Review status: criteria provided, single submitter. Criteria: Ambry Variant Classification Scheme 2023. Collection method: clinical testing. Allele origin: germline.
Comment: The p.C163W variant (also known as c.489C>G), located in coding exon 4 of the CDH1 gene, results from a C to G substitution at nucleotide position 489. The cysteine at codon 163 is replaced by tryptophan, an amino acid with highly dissimilar properties. This amino acid position is conserved. In addition, the in silico prediction for this alteration is inconclusive. Since supporting evidence is limited at this time, the clinical significance of this alteration remains unclear.

Labcorp Genetics (formerly Invitae), Labcorp
Classification: Uncertain significance for Hereditary diffuse gastric adenocarcinoma. Last evaluated: 2021-06-26. Review status: criteria provided, single submitter. Criteria: Invitae Variant Classification Sherloc (09022015). Collection method: clinical testing. Allele origin: germline.
Comment: This sequence change replaces cysteine with tryptophan at codon 163 of the CDH1 protein (p.Cys163Trp). The cysteine residue is moderately conserved and there is a large physicochemical difference between cysteine and tryptophan. This variant is not present in population databases (ExAC no frequency). This variant has not been reported in the literature in individuals with CDH1-related conditions. ClinVar contains an entry for this variant (Variation ID: 463783). Algorithms developed to predict the effect of missense changes on protein structure and function are either unavailable or do not agree on the potential impact of this missense change (SIFT: "Deleterious"; PolyPhen-2: "Probably Damaging"; Align-GVGD: "Class C0"). In summary, the available evidence is currently insufficient to determine the role of this variant in disease. Therefore, it has been classified as a Variant of Uncertain Significance.